The following is an entry in ClinVar:

ClinVar aggregate classification (germline): Uncertain significance (1 of 4 stars; one submission).

Conditions:
Brugada syndrome. Also called: Sudden unexpected nocturnal death syndrome; Sudden Unexplained Death Syndrome; Sudden Unexplained Nocturnal Death Syndrome (SUNDS); Sudden unexplained nocturnal death syndrome. Identifiers: Orphanet 130, MedGen C1142166, MONDO:0015263.

Submission:

Labcorp Genetics (formerly Invitae), Labcorp
Classification: Uncertain significance for Brugada syndrome. Last evaluated: 2025-08-10. Review status: criteria provided, single submitter. Criteria: Invitae Variant Classification Sherloc (09022015). Collection method: clinical testing. Allele origin: germline.
Comment: This sequence change replaces arginine, which is basic and polar, with serine, which is neutral and polar, at codon 1099 of the SCN10A protein (p.Arg1099Ser). This variant is not present in population databases (gnomAD no frequency). This variant has not been reported in the literature in individuals affected with SCN10A-related conditions. Invitae Evidence Modeling of protein sequence and biophysical properties (such as structural, functional, and spatial information, amino acid conservation, physicochemical variation, residue mobility, and thermodynamic stability) indicates that this missense variant is not expected to disrupt SCN10A protein function with a negative predictive value of 80%. In summary, the available evidence is currently insufficient to determine the role of this variant in disease. Therefore, it has been classified as a Variant of Uncertain Significance.

NM_006514.4(SCN10A):c.3297G>C (p.Arg1099Ser)

Genes: SCN10A (sodium voltage-gated channel alpha subunit 10; minus strand), LOC110121288 (VISTA enhancer hs2268; plus strand). Cytogenetic location: 3p22.2.
Variant type: single nucleotide variant.
Coding change: c.3297G>C on transcript NM_006514.4 (MANE Select); coding-DNA position 3297, G replaced by C.
Protein change: p.Arg1099Ser; replaces arginine 1099 with serine.
Molecular consequence: missense variant.
Genome position (GRCh38, 1-based): chr3:38,723,485, C>G on the plus strand (G>C on the coding strand, the complement: SCN10A is on the minus strand). VCF-style: chr3-38723485-C-G. GRCh37 (hg19) VCF-style: chr3-38764976-C-G.
Other names: c.3294G>C, p.Arg1098Ser (NM_001293306.2); c.3003G>C, p.Arg1001Ser (NM_001293307.2); short protein forms R1001S, R1099S, R1098S.
Identifiers: ClinVar variation 4743367 (VCV004743367.1).
Genomic context (GRCh38, chr3:38,723,485, plus strand): 5'-TTCACCTTCTGTGAAGCAGTCATCTGGTTCTTCCAGGTCATCTGCCAGCTCAGGGATCTT[C>G]CTCAGGATTTCCTCAGGATCTAGGCAGTCCACCGTGCTGCCCTCAGAGGAGCTTGTGTCG-3'
Protein context (NP_006505.4, residues 1089-1109): VDCLDPEEIL[Arg1099Ser]KIPELADDLE